The following is an entry in ClinVar:

NM_001733.7(C1R):c.24G>T (p.Val8=)

Gene: C1R (complement C1r; minus strand). Cytogenetic location: 12p13.31.
Variant type: single nucleotide variant.
Coding change: c.24G>T on transcript NM_001733.7 (MANE Select); coding-DNA position 24, G replaced by T.
Protein change: p.Val8=; no amino-acid change (valine 8 retained).
Molecular consequence: synonymous variant.
Genome position (GRCh38, 1-based): chr12:7,091,659, C>A on the plus strand (G>T on the coding strand, the complement: C1R is on the minus strand). VCF-style: chr12-7091659-C-A. GRCh37 (hg19) VCF-style: chr12-7244255-C-A.
Other names: c.66G>T, p.Val22= (NM_001354346.2).
Identifiers: ClinVar variation 3054199 (VCV003054199.3), dbSNP rs752795803, ClinGen allele CA6424338.
Genomic context (GRCh38, chr12:7,091,659, plus strand): 5'-CTCCCCAAATAACTTCTGAGGGATGGGAATGGAGCCTCCTGCCCTGCAGAACAGGGCCGG[C>A]ACCAGGAGGTACAAGAGCCACCTGCCAAAACAAAAGAGAGTATCTGGAGCTGGAGGGGTT-3'
Protein context (NP_001724.4, residues 1-18): MWLLYLL[Val8=]PALFCRAGGS

ClinVar aggregate classification (germline): Benign. Review status: criteria provided, single submitter (1 of 4 stars). 2 submissions from 2 submitters: Benign (1). 1 of the submissions does not count toward it. Last evaluated 2026-06-26.

Conditions:
C1R-related disorder. Also called: C1R-related condition.

Allele frequency attached by ClinVar (database versions not stated): ExAC 0.00008; TOPMed 0.00009; gnomAD exomes 0.00010; gnomAD 0.00013.

Submissions (2):

Women's Health and Genetics/Laboratory Corporation of America, LabCorp
Classification: Benign. Last evaluated: 2026-06-26. Review status: criteria provided, single submitter. Criteria: LabCorp Variant Classification Summary - May 2015. Collection method: clinical testing. Allele origin: germline.

PreventionGenetics, part of Exact Sciences
Classification: Likely benign for C1R-related condition. Last evaluated: 2022-02-16. Review status: no assertion criteria provided. Collection method: clinical testing. Allele origin: germline. Not counted in ClinVar's aggregate classification.
Comment: This variant is classified as likely benign based on ACMG/AMP sequence variant interpretation guidelines (Richards et al. 2015 PMID: 25741868, with internal and published modifications).